The following is an entry in ClinVar:

NM_182476.3(COQ6):c.591C>T (p.Ser197=)

Genes: COQ6 (coenzyme Q6, monooxygenase; plus strand), ENTPD5 (ectonucleoside triphosphate diphosphohydrolase 5; minus strand). Cytogenetic location: 14q24.3.
Variant type: single nucleotide variant.
Coding change: c.591C>T on transcript NM_182476.3 (MANE Select); coding-DNA position 591, C replaced by T.
Protein change: p.Ser197=; no amino-acid change (serine 197 retained).
Molecular consequence: synonymous variant. On other transcripts: 3 prime UTR variant (3), intron variant (5).
Genome position (GRCh38, 1-based): chr14:73,958,256, C>T. VCF-style: chr14-73958256-C-T. GRCh37 (hg19) VCF-style: chr14-74424959-C-T.
Other names: c.591C>T, p.Ser197= (NM_001425255.1, NM_001425256.1); c.426C>T, p.Ser142= (NM_001425257.1); c.516C>T, p.Ser172= (NM_001425258.1, NM_182480.3); c.366C>T, p.Ser122= (NM_001425259.1, NM_001425260.1, NM_001425261.1); c.264C>T, p.Ser88= (NM_001425263.1); c.*1274G>A (NM_001330189.2, NM_001382259.1, NM_001382260.1); c.73-715C>T (NM_001425265.1, NM_001425264.1); c.358-715C>T (NM_001425262.1); and 2 more.
Identifiers: ClinVar variation 2644364 (VCV002644364.23), dbSNP rs2503052827, ClinGen allele CA487153738.
Genomic context (GRCh38, chr14:73,958,256, plus strand): 5'-TTGTCCATTTCCTATGGCCGACTCCAGCCCTTGGGTTCATATTACCCTAGGTGATGGCAG[C>T]ACCTTCCAGACCAAATTGTTGGTAGTTGAAGATTCTTATTTTGCTAGGGGTCTTGTATAT-3'
Protein context (NP_872282.1, residues 187-207): PWVHITLGDG[Ser197=]TFQTKLLIGA

ClinVar aggregate classification (germline): Likely benign. Review status: criteria provided, multiple submitters, no conflicts (2 of 4 stars). 2 submissions from 2 submitters: Likely benign (2). Last evaluated 2025-10-03.

Allele frequency attached by ClinVar (database versions not stated): gnomAD exomes below 0.00001.
gnomAD v4.1: 1 of 1,614,026 alleles (0.000062%); highest among the groups gnomAD compares: Non-Finnish European, 0.000085%; no homozygotes.

Submissions (2):

Labcorp Genetics (formerly Invitae), Labcorp
Classification: Likely benign. Last evaluated: 2025-10-03. Review status: criteria provided, single submitter. Criteria: Invitae Variant Classification Sherloc (09022015). Collection method: clinical testing. Allele origin: germline.

CeGaT Center for Human Genetics Tuebingen
Classification: Likely benign. Last evaluated: 2023-07-01. Review status: criteria provided, single submitter. Criteria: CeGaT Center For Human Genetics Tuebingen Variant Classification Criteria Version 2. Collection method: clinical testing. Allele origin: germline. Affected: yes. Observed: 1 variant allele.
Comment: COQ6: PM2:Supporting, BP4, BP7